The following is an entry in ClinVar:

ClinVar aggregate classification (germline): Uncertain significance (1 of 4 stars; one submission).

Conditions:
Holoprosencephaly 3 (HPE3). Identifiers: Orphanet 2162, MedGen C1840529, MONDO:0007733, OMIM 142945.

Allele frequency attached by ClinVar (database versions not stated): 1000 Genomes Project 0.00020; 1000 Genomes Project 30x 0.00031.
gnomAD v4.1: 10 of 612,604 alleles (0.0016%); highest among the groups gnomAD compares: African/African-American, 0.015%; no homozygotes.

Submission:

Labcorp Genetics (formerly Invitae), Labcorp
Classification: Uncertain significance for Holoprosencephaly 3. Last evaluated: 2023-04-24. Review status: criteria provided, single submitter. Criteria: Invitae Variant Classification Sherloc (09022015). Collection method: clinical testing. Allele origin: germline.
Comment: In summary, the available evidence is currently insufficient to determine the role of this variant in disease. Therefore, it has been classified as a Variant of Uncertain Significance. Experimental studies and prediction algorithms are not available or were not evaluated, and the effect of this variant on mRNA splicing is currently unknown. This variant has not been reported in the literature in individuals affected with SHH-related conditions. This variant is present in population databases (rs529046922, gnomAD 0.02%). This variant occurs in a non-coding region of the SHH gene. It does not change the encoded amino acid sequence of the SHH protein.

NC_000007.14:g.156796255T>A

Genes: LMBR1 (limb development membrane protein 1; minus strand), SHH (sonic hedgehog signaling molecule; minus strand). Cytogenetic location: 7q36.3.
Variant type: single nucleotide variant.
Molecular consequence: intron variant (on NM_022458.4).
Genome position: GRCh38 VCF-style: chr7-156796255-T-A. GRCh37 (hg19) VCF-style: chr7-156588949-T-A.
Other names: c.360+134A>T (NM_001363412.2); c.144+134A>T (NM_001350954.2); c.423+134A>T (NM_001363410.2, NM_022458.4, NM_001363409.2 and 1 more transcripts); c.-112+134A>T (NM_001350958.2, NM_001350956.2, NM_001350955.2 and 1 more transcripts); c.54+134A>T (NM_001350957.2, NM_001363411.2).
Identifiers: ClinVar variation 2877432 (VCV002877432.3), dbSNP rs529046922, ClinGen allele CA169823980.